The following is an entry in ClinVar:

NM_032444.4(SLX4):c.1366+4T>C

Gene: SLX4 (SLX4 structure-specific endonuclease subunit; minus strand). Cytogenetic location: 16p13.3.
Variant type: single nucleotide variant.
Coding change: c.1366+4T>C on transcript NM_032444.4 (MANE Select); 4 bases into the intron after coding-DNA position 1366, T replaced by C.
Molecular consequence: intron variant.
Genome position (GRCh38, 1-based): chr16:3,597,793, A>G on the plus strand (T>C on the coding strand, the complement: SLX4 is on the minus strand). VCF-style: chr16-3597793-A-G. GRCh37 (hg19) VCF-style: chr16-3647794-A-G.
Identifiers: ClinVar variation 2139289 (VCV002139289.3), dbSNP rs778515506, ClinGen allele CA7866552.

ClinVar aggregate classification (germline): Uncertain significance (1 of 4 stars; one submission).

Conditions:
Fanconi anemia (FA). Also called: Fanconi's anemia. Identifiers: Orphanet 84, MedGen C0015625, MeSH D005199, MONDO:0019391.

Allele frequency attached by ClinVar (database versions not stated): gnomAD 0.00001; TOPMed 0.00001; ExAC 0.00002.
gnomAD v4.1: 8 of 1,614,034 alleles (0.0005%); highest among the groups gnomAD compares: Non-Finnish European, 0.00068%; no homozygotes.

Submission:

Labcorp Genetics (formerly Invitae), Labcorp
Classification: Uncertain significance for Fanconi anemia. Last evaluated: 2022-03-18. Review status: criteria provided, single submitter. Criteria: Invitae Variant Classification Sherloc (09022015). Collection method: clinical testing. Allele origin: germline.
Comment: This sequence change falls in intron 6 of the SLX4 gene. It does not directly change the encoded amino acid sequence of the SLX4 protein. It affects a nucleotide within the consensus splice site. This variant is present in population databases (rs778515506, gnomAD 0.002%). This variant has not been reported in the literature in individuals affected with SLX4-related conditions. Variants that disrupt the consensus splice site are a relatively common cause of aberrant splicing (PMID: 17576681, 9536098). Algorithms developed to predict the effect of sequence changes on RNA splicing suggest that this variant is not likely to affect RNA splicing. In summary, the available evidence is currently insufficient to determine the role of this variant in disease. Therefore, it has been classified as a Variant of Uncertain Significance.

Literature cited by the submitters: PubMed 17576681; PubMed 9536098.